The following is an entry in ClinVar:

NM_024312.5(GNPTAB):c.1331dup (p.Ser445fs)

Gene: GNPTAB (N-acetylglucosamine-1-phosphate transferase subunits alpha and beta; minus strand). Cytogenetic location: 12q23.2.
Variant type: Duplication.
Coding change: c.1331dup on transcript NM_024312.5 (MANE Select); coding-DNA position 1331, one base duplicated (G; older notation c.1331dupG).
Protein change: p.Ser445fs; shifts the reading frame from serine 445.
Molecular consequence: frameshift variant.
Genome position (GRCh38, 1-based): chr12:101,768,114, C duplicated on the plus strand (G on the coding strand, the reverse complement: GNPTAB is on the minus strand); the first of 2 consecutive C bases (chr12:101,768,114-101,768,115); duplicating either gives the same sequence. VCF-style (leftmost placement, unchanged base first): chr12-101768113-A-AC. GRCh37 (hg19) VCF-style: chr12-102161891-A-AC.
Other names: c.1331dupG (NM_024312.4, NM_024312.5); short protein forms S445fs.
Identifiers: ClinVar variation 39030 (VCV000039030.6), dbSNP rs281864976, ClinGen allele CA343344.

ClinVar aggregate classification (germline): Pathogenic. Review status: criteria provided, multiple submitters, no conflicts (2 of 4 stars). 3 submissions from 3 submitters: Pathogenic (2). 1 of the submissions does not count toward it. Last evaluated 2024-12-10.

Conditions:
Mucolipidosis. Also called: Mucolipidoses. Identifiers: Orphanet 79212, MedGen C0026697, MONDO:0019248.
Mucolipidosis type II. Also called: Mucolipidosis 2; ML 2; Inclusion cell disease; Leroy Disease; N-acetylglucosamine 1phosphotransferase deficiency; ML disorder type 2. Identifiers: Orphanet 576, MedGen C2673377, MONDO:0009650, OMIM 252500.

Submissions (3):

Women's Health and Genetics/Laboratory Corporation of America, LabCorp
Classification: Pathogenic for Mucolipidosis. Last evaluated: 2024-12-10. Review status: criteria provided, single submitter. Criteria: LabCorp Variant Classification Summary - May 2015. Collection method: clinical testing. Allele origin: germline.
Comment: Variant summary: GNPTAB c.1331dupG (p.Ser445Phefs*4) results in a premature termination codon, predicted to cause a truncation of the encoded protein or absence of the protein due to nonsense mediated decay, which are commonly known mechanisms for disease. The variant was absent in 251414 control chromosomes. c.1331dupG has been reported in the literature in individual(s) affected with Mucolipidosis (e.g., Tappino_2009). The following publication has been ascertained in the context of this evaluation (PMID: 19634183). ClinVar contains an entry for this variant (Variation ID: 39030). Based on the evidence outlined above, the variant was classified as pathogenic.

GeneDx
Classification: Pathogenic. Last evaluated: 2024-06-22. Review status: criteria provided, single submitter. Criteria: GeneDx Variant Classification Process June 2021. Collection method: clinical testing. Allele origin: germline.
Comment: Frameshift variant predicted to result in protein truncation or nonsense mediated decay in a gene for which loss of function is a known mechanism of disease; Not observed at significant frequency in large population cohorts (gnomAD); This variant is associated with the following publications: (PMID: 26147798, 30882951, 20301728, 19634183)

GeneReviews
No classification provided. Condition: Mucolipidosis type II. Review status: no classification provided. Collection method: literature only. Allele origin: unknown. Not counted in ClinVar's aggregate classification.

Literature cited by the submitters: PubMed 19634183 (cited by Women's Health and Genetics/Laboratory Corporation of America, LabCorp and GeneReviews); PubMed 20301728 (cited by GeneReviews); NCBI Bookshelf NBK1828 (cited by GeneReviews).